The following is an entry in ClinVar:

ClinVar aggregate classification (germline): Uncertain significance (1 of 4 stars; one submission).

Allele frequency attached by ClinVar (database versions not stated): gnomAD exomes below 0.00001.
gnomAD v4.1: 2 of 1,545,346 alleles (0.00013%); highest among the groups gnomAD compares: East Asian, 0.0023%; no homozygotes.

Submission:

Labcorp Genetics (formerly Invitae), Labcorp
Classification: Uncertain significance. Last evaluated: 2021-11-11. Review status: criteria provided, single submitter. Criteria: Invitae Variant Classification Sherloc (09022015). Collection method: clinical testing. Allele origin: germline.
Comment: This sequence change replaces proline, which is neutral and non-polar, with serine, which is neutral and polar, at codon 3321 of the ADGRV1 protein (p.Pro3321Ser). This variant is not present in population databases (gnomAD no frequency). This variant has not been reported in the literature in individuals affected with ADGRV1-related conditions. Algorithms developed to predict the effect of missense changes on protein structure and function output the following: SIFT: "Tolerated"; PolyPhen-2: "Possibly Damaging"; Align-GVGD: "Class C0". The serine amino acid residue is found in multiple mammalian species, which suggests that this missense change does not adversely affect protein function. In summary, the available evidence is currently insufficient to determine the role of this variant in disease. Therefore, it has been classified as a Variant of Uncertain Significance.

NM_032119.4(ADGRV1):c.9961C>T (p.Pro3321Ser)

Gene: ADGRV1 (adhesion G protein-coupled receptor V1; plus strand). Cytogenetic location: 5q14.3.
Variant type: single nucleotide variant.
Coding change: c.9961C>T on transcript NM_032119.4 (MANE Select); coding-DNA position 9961, C replaced by T.
Protein change: p.Pro3321Ser; replaces proline 3321 with serine.
Molecular consequence: missense variant. On other transcripts: non-coding transcript variant (1).
Genome position (GRCh38, 1-based): chr5:90,725,140, C>T. VCF-style: chr5-90725140-C-T. GRCh37 (hg19) VCF-style: chr5-90020957-C-T.
Other names: short protein forms P3321S.
Identifiers: ClinVar variation 1441660 (VCV001441660.3), dbSNP rs763210850, ClinGen allele CA3340637.
Genomic context (GRCh38, chr5:90,725,140, plus strand): 5'-TTCTAGGATTTAAATATAGAAAATCCTAAAACTTGTGAGGCCTTTAATATTGGTTTTTCT[C>T]CCTACTTTGTGATTACTCATGAAGAAAGAAATGAAGAAAAGCCTTCTCTTAACAGTGTGT-3'
Protein context (NP_115495.3, residues 3311-3331): TCEAFNIGFS[Pro3321Ser]YFVITHEERN